The following is an entry in ClinVar:

NM_016333.4(SRRM2):c.4245G>A (p.Ser1415=)

Gene: SRRM2 (serine/arginine repetitive matrix 2; plus strand). Cytogenetic location: 16p13.3.
Variant type: single nucleotide variant.
Coding change: c.4245G>A on transcript NM_016333.4 (MANE Select); coding-DNA position 4245, G replaced by A.
Protein change: p.Ser1415=; no amino-acid change (serine 1415 retained).
Molecular consequence: synonymous variant.
Genome position (GRCh38, 1-based): chr16:2,764,773, G>A. VCF-style: chr16-2764773-G-A. GRCh37 (hg19) VCF-style: chr16-2814774-G-A.
Identifiers: ClinVar variation 715461 (VCV000715461.27), dbSNP rs145082336, ClinGen allele CA7848129.

ClinVar aggregate classification (germline): Likely benign. Review status: criteria provided, multiple submitters, no conflicts (2 of 4 stars). 2 submissions from 2 submitters: Likely benign (2). Last evaluated 2024-08-01.

Allele frequency attached by ClinVar (database versions not stated): 1000 Genomes Project 30x 0.00016; 1000 Genomes Project 0.00020; gnomAD 0.00038 and 0.00041; TOPMed 0.00053; ESP Exome Variant Server 0.00069.
gnomAD v4.1: 586 of 1,614,122 alleles (0.036%); highest among the groups gnomAD compares: Middle Eastern, 0.16%; 1 homozygote.

Submissions (2):

CeGaT Center for Human Genetics Tuebingen
Classification: Likely benign. Last evaluated: 2024-08-01. Review status: criteria provided, single submitter. Criteria: CeGaT Center For Human Genetics Tuebingen Variant Classification Criteria Version 2. Collection method: clinical testing. Allele origin: germline. Affected: yes. Observed: 3 variant alleles.
Comment: SRRM2: BP4, BP7

Labcorp Genetics (formerly Invitae), Labcorp
Classification: Likely benign. Last evaluated: 2018-02-12. Review status: criteria provided, single submitter. Criteria: Invitae Variant Classification Sherloc (09022015). Collection method: clinical testing. Allele origin: germline.